The following is an entry in ClinVar:

NM_145239.3(PRRT2):c.698G>A (p.Ser233Asn)

Genes: MVP-DT (MVP divergent transcript; minus strand), PRRT2 (proline rich transmembrane protein 2; plus strand). Cytogenetic location: 16p11.2.
Variant type: single nucleotide variant.
Coding change: c.698G>A on transcript NM_145239.3 (MANE Select); coding-DNA position 698, G replaced by A.
Protein change: p.Ser233Asn; replaces serine 233 with asparagine.
Molecular consequence: missense variant.
Genome position (GRCh38, 1-based): chr16:29,813,752, G>A. VCF-style: chr16-29813752-G-A. GRCh37 (hg19) VCF-style: chr16-29825073-G-A.
Other names: c.698G>A, p.Ser233Asn (NM_001256442.2, NM_001256443.2); short protein forms S233N.
Identifiers: ClinVar variation 838868 (VCV000838868.10), dbSNP rs757291225, ClinGen allele CA7994572.

ClinVar aggregate classification (germline): Uncertain significance (1 of 4 stars; one submission).

Conditions:
Episodic kinesigenic dyskinesia (EKD). Also called: Paroxysmal kinesigenic dyskinesia. Identifiers: Orphanet 98809, MedGen C1868682, MONDO:0044202.

Allele frequency attached by ClinVar (database versions not stated): gnomAD 0.00001; gnomAD exomes 0.00001 and 0.00002; ExAC 0.00004; TOPMed 0.00002.
gnomAD v4.1: 16 of 1,590,360 alleles (0.001%); highest among the groups gnomAD compares: Non-Finnish European, 0.0013%; no homozygotes.

Submission:

Labcorp Genetics (formerly Invitae), Labcorp
Classification: Uncertain significance for Episodic kinesigenic dyskinesia. Last evaluated: 2024-06-24. Review status: criteria provided, single submitter. Criteria: Invitae Variant Classification Sherloc (09022015). Collection method: clinical testing. Allele origin: germline.
Comment: This sequence change replaces serine, which is neutral and polar, with asparagine, which is neutral and polar, at codon 233 of the PRRT2 protein (p.Ser233Asn). This variant is present in population databases (rs757291225, gnomAD 0.003%). This variant has not been reported in the literature in individuals affected with PRRT2-related conditions. ClinVar contains an entry for this variant (Variation ID: 838868). Advanced modeling of protein sequence and biophysical properties (such as structural, functional, and spatial information, amino acid conservation, physicochemical variation, residue mobility, and thermodynamic stability) performed at Invitae indicates that this missense variant is not expected to disrupt PRRT2 protein function with a negative predictive value of 95%. In summary, the available evidence is currently insufficient to determine the role of this variant in disease. Therefore, it has been classified as a Variant of Uncertain Significance.